The following is an entry in ClinVar:

ClinVar aggregate classification (germline): Likely benign (1 of 4 stars; one submission).

gnomAD v4.1: 1 of 1,614,132 alleles (0.000062%); no homozygotes.

Submission:

CeGaT Center for Human Genetics Tuebingen
Classification: Likely benign. Last evaluated: 2025-02-01. Review status: criteria provided, single submitter. Criteria: CeGaT Center For Human Genetics Tuebingen Variant Classification Criteria Version 2. Collection method: clinical testing. Allele origin: germline. Affected: yes. Observed: 1 variant allele.
Comment: TPM1: BP4, BP7

NM_001018005.2(TPM1):c.705T>G (p.Ala235=)

Gene: TPM1 (tropomyosin 1; plus strand). Cytogenetic location: 15q22.2.
Variant type: single nucleotide variant.
Coding change: c.705T>G on transcript NM_001018005.2 (MANE Select); coding-DNA position 705, T replaced by G.
Protein change: p.Ala235=; no amino-acid change (alanine 235 retained).
Molecular consequence: synonymous variant. On other transcripts: non-coding transcript variant (17).
Genome position (GRCh38, 1-based): chr15:63,062,578, T>G. VCF-style: chr15-63062578-T-G. GRCh37 (hg19) VCF-style: chr15-63354777-T-G.
Other names: c.705T>G, p.Ala235= (NM_000366.6, NM_001018004.2, NM_001018006.2 and 20 more transcripts); c.597T>G, p.Ala199= (NM_001018008.2, NM_001301289.2, NM_001330344.2 and 9 more transcripts); c.831T>G, p.Ala277= (NM_001365778.1, NM_001407322.1, NM_001407323.1 and 1 more transcripts).
Identifiers: ClinVar variation 3771105 (VCV003771105.13).